The following is an entry in ClinVar:

ClinVar aggregate classification (germline): Conflicting classifications of pathogenicity. Review status: criteria provided, conflicting classifications (1 of 4 stars). 3 submissions from 3 submitters: Uncertain significance (1); Likely benign (2). Last evaluated 2024-09-11.

Conditions:
Cornelia de Lange syndrome 1 (CDLS1). Also called: Brachmann de Lange syndrome; NIPBL-Related Cornelia de Lange Syndrome; TYPUS DEGENERATIVUS AMSTELODAMENSIS. Identifiers: Orphanet 199, MedGen C4551851, MONDO:0007387, OMIM 122470.

Allele frequency attached by ClinVar (database versions not stated): gnomAD 0.00002; ExAC 0.00003; TOPMed 0.00005; gnomAD exomes 0.00006.
gnomAD v4.1: 90 of 1,614,040 alleles (0.0056%); highest among the groups gnomAD compares: Non-Finnish European, 0.0074%; no homozygotes.

Submissions (3):

Blueprint Genetics
Classification: Likely benign. Last evaluated: 2024-09-11. Review status: criteria provided, single submitter. Criteria: ACMG Guidelines, 2015. Collection method: clinical testing. Allele origin: germline.

Fulgent Genetics
Classification: Likely benign for Cornelia de Lange syndrome 1. Last evaluated: 2024-03-08. Review status: criteria provided, single submitter. Criteria: ACMG Guidelines, 2015. Collection method: clinical testing. Allele origin: germline.

Labcorp Genetics (formerly Invitae), Labcorp
Classification: Uncertain significance for Cornelia de Lange syndrome 1. Last evaluated: 2023-10-22. Review status: criteria provided, single submitter. Criteria: Invitae Variant Classification Sherloc (09022015). Collection method: clinical testing. Allele origin: germline.
Comment: This sequence change replaces alanine, which is neutral and non-polar, with serine, which is neutral and polar, at codon 2777 of the NIPBL protein (p.Ala2777Ser). This variant is present in population databases (rs200872976, gnomAD 0.005%). This variant has not been reported in the literature in individuals affected with NIPBL-related conditions. Advanced modeling of protein sequence and biophysical properties (such as structural, functional, and spatial information, amino acid conservation, physicochemical variation, residue mobility, and thermodynamic stability) has been performed at Invitae for this missense variant, however the output from this modeling did not meet the statistical confidence thresholds required to predict the impact of this variant on NIPBL protein function. In summary, the available evidence is currently insufficient to determine the role of this variant in disease. Therefore, it has been classified as a Variant of Uncertain Significance.

NM_133433.4(NIPBL):c.8329G>T (p.Ala2777Ser)

Gene: NIPBL (NIPBL cohesin loading factor; plus strand). Cytogenetic location: 5p13.2.
Variant type: single nucleotide variant.
Coding change: c.8329G>T on transcript NM_133433.4 (MANE Select); coding-DNA position 8329, G replaced by T.
Protein change: p.Ala2777Ser; replaces alanine 2777 with serine.
Molecular consequence: missense variant. On other transcripts: 3 prime UTR variant (1).
Genome position (GRCh38, 1-based): chr5:37,064,806, G>T. VCF-style: chr5-37064806-G-T. GRCh37 (hg19) VCF-style: chr5-37064908-G-T.
Other names: c.*783G>T (NM_015384.5); short protein forms A2777S.
Identifiers: ClinVar variation 2895986 (VCV002895986.5), dbSNP rs200872976, ClinGen allele CA3237356.
Genomic context (GRCh38, chr5:37,064,806, plus strand): 5'-CGCAAACTGGTGCCTTGGGTAGACACTATTAAAGAGTCAGACATTATTTACAAAAAAATT[G>T]CTCTAACGAGTGCTAATAAGCTGACTAATAAAGTTGTTCAGACTTTACGATCCCTGTATG-3'
Protein context (NP_597677.2, residues 2767-2787): KESDIIYKKI[Ala2777Ser]LTSANKLTNK